The following is an entry in ClinVar:

NM_022124.6(CDH23):c.7054+1G>A

Gene: CDH23 (cadherin related 23; plus strand). Cytogenetic location: 10q22.1.
Variant type: single nucleotide variant.
Coding change: c.7054+1G>A on transcript NM_022124.6 (MANE Select); the canonical splice donor site of the intron after coding-DNA position 7054, G replaced by A.
Molecular consequence: splice donor variant.
Genome position (GRCh38, 1-based): chr10:71,798,579, G>A. VCF-style: chr10-71798579-G-A. GRCh37 (hg19) VCF-style: chr10-73558336-G-A.
Other names: c.334+1G>A (NM_001171933.1, NM_001171934.1).
Identifiers: ClinVar variation 391852 (VCV000391852.3), dbSNP rs1057524265, ClinGen allele CA16605679.
Genomic context (GRCh38, chr10:71,798,579, plus strand): 5'-CCTACACCCTGCTGGACCTGGTGCCCCCAGGGTATGTCCAGCTGGAGGACTCCTCGGCAG[G>A]TAGGTTAGAAATCTGTCAGAGGAGGGCTGGGGGACATATATCTCTGCTTGCTTAGTCCCC-3'

ClinVar aggregate classification (germline): Likely pathogenic. Review status: criteria provided, multiple submitters, no conflicts (2 of 4 stars). 2 submissions from 2 submitters: Likely pathogenic (2). Last evaluated 2022-10-01.

Conditions:
Pituitary adenoma 5, multiple types. Identifiers: MedGen C4539685, MONDO:0054601, OMIM 617540.

Submissions (2):

Baylor Genetics
Classification: Likely pathogenic for Pituitary adenoma 5, multiple types. Last evaluated: 2022-10-01. Review status: criteria provided, single submitter. Criteria: ACMG Guidelines, 2015. Collection method: clinical testing. Allele origin: unknown.

GeneDx
Classification: Likely pathogenic. Last evaluated: 2017-01-10. Review status: criteria provided, single submitter. Criteria: GeneDx Variant Classification (06012015). Collection method: clinical testing. Allele origin: germline. Affected: yes.
Comment: The c.7054+1G>A variant in the CDH23 gene has not been reported previously as a pathogenic variant nor as a benign variant, to our knowledge. This splice site variant destroys the canonical splice donor site in intron 50, which is predicted to cause abnormal gene splicing. The c.7054+1G>A variant was not observed in approximately 6000 individuals of European and African American ancestry in the NHLBI Exome Sequencing Project, indicating it is not a common benign variant in these populations. We interpret c.7054+1G>A as a likely pathogenic variant.